The following is an entry in ClinVar:

NM_004415.4(DSP):c.8423del (p.Val2808fs)

Gene: DSP (desmoplakin; plus strand). Cytogenetic location: 6p24.3.
Variant type: Deletion.
Coding change: c.8423del on transcript NM_004415.4 (MANE Select); coding-DNA position 8423, one base deleted (T; older notation c.8423delT).
Protein change: p.Val2808fs; shifts the reading frame from valine 2808.
Molecular consequence: frameshift variant.
Genome position (GRCh38, 1-based): chr6:7,585,685, T deleted. VCF-style (leftmost placement, unchanged base first): chr6-7585684-GT-G. GRCh37 (hg19) VCF-style: chr6-7585917-GT-G.
Other names: c.6626del, p.Val2209fs (NM_001008844.3); c.7094del, p.Val2365fs (NM_001319034.2); short protein forms V2209fs, V2365fs, V2808fs.
Identifiers: ClinVar variation 3762590 (VCV003762590.2).
Genomic context (GRCh38, chr6:7,585,684, plus strand): 5'-GCCATAAATCGCTCCATGGTAGAAGATATCACTGGGCTGCGCCTTCTGGAAGCCGCCTCC[GT>G]GTCGTCCAAGGGCTTACCCAGCCCTTACAACATGTCTTCGGCTCCGGGGTCCCGCTCCGG-3'

ClinVar aggregate classification (germline): Uncertain significance (1 of 4 stars; one submission).

Conditions:
Arrhythmogenic cardiomyopathy with wooly hair and keratoderma. Also called: Arrhythmogenic cardiomyopathy with woolly hair and keratoderma; PALMOPLANTAR KERATODERMA WITH LEFT VENTRICULAR CARDIOMYOPATHY AND WOOLLY HAIR; Carvajal syndrome; Dilated cardiomyopathy with woolly hair and keratoderma. Identifiers: Orphanet 65282, MedGen C1854063, MONDO:0011581, OMIM 605676.
Arrhythmogenic right ventricular dysplasia 8 (ARVD8). Also called: Arrhythmogenic Right Ventricular Dysplasia/Cardiomyopathy 8; ARRHYTHMOGENIC RIGHT VENTRICULAR DYSPLASIA, FAMILIAL, 8; ARRHYTHMOGENIC RIGHT VENTRICULAR CARDIOMYOPATHY 8. Identifiers: MedGen C1843896, MONDO:0011831, OMIM 607450.

Submission:

Labcorp Genetics (formerly Invitae), Labcorp
Classification: Uncertain significance for Arrhythmogenic cardiomyopathy with wooly hair and keratoderma; Arrhythmogenic right ventricular dysplasia 8. Last evaluated: 2025-12-31. Review status: criteria provided, single submitter. Criteria: Invitae Variant Classification Sherloc (09022015). Collection method: clinical testing. Allele origin: germline.
Comment: This sequence change is expected to alter the c-terminus of the DSP protein (p.Val2808Glyfs*75). While this is not anticipated to result in nonsense mediated decay, it is expected to disrupt the last 64 amino acid(s) of the DSP protein and extend the protein by 10 additional amino acid residues. This variant is not present in population databases (gnomAD no frequency). This variant has not been reported in the literature in individuals affected with DSP-related conditions. ClinVar contains an entry for this variant (Variation ID: 3762590). Experimental studies and prediction algorithms are not available or were not evaluated, and the functional significance of this variant is currently unknown. In summary, the available evidence is currently insufficient to determine the role of this variant in disease. Therefore, it has been classified as a Variant of Uncertain Significance.